The following is an entry in ClinVar:

ClinVar aggregate classification (germline): Pathogenic/Likely pathogenic. Review status: criteria provided, multiple submitters, no conflicts (2 of 4 stars). 3 submissions from 3 submitters: Pathogenic (2); Likely pathogenic (1). Last evaluated 2026-05-27.

Conditions:
Osteogenesis imperfecta type I (OI1). Also called: OI, TYPE I; OSTEOGENESIS IMPERFECTA TARDA; OSTEOGENESIS IMPERFECTA WITH BLUE SCLERAE; Osteogenesis imperfecta type 1; Classic Non-deforming Osteogenesis Imperfecta with Blue Sclerae; Lobstein's Disease. Identifiers: Orphanet 216796, Orphanet 666, MedGen C0023931, MONDO:0008146, OMIM 166200. Disease mechanism: loss of function.
Ehlers-Danlos syndrome, classic type, 1 (EDSCL1). Also called: EHLERS-DANLOS SYNDROME, GRAVIS TYPE; EHLERS-DANLOS SYNDROME, SEVERE CLASSIC TYPE; EDS I; Ehlers-Danlos Syndrome, Classic Type, COL5A1-Related; Ehlers-Danlos syndrome, type 1. Identifiers: MedGen C0268335, MONDO:0019567, OMIM 130000.
Osteogenesis imperfecta with normal sclerae, dominant form (OI4). Also called: OSTEOGENESIS IMPERFECTA, TYPE IV, WITH DENTINOGENESIS IMPERFECTA; OSTEOGENESIS IMPERFECTA WITH NORMAL SCLERAE; Osteogenesis imperfecta type 4; Common Variable Osteogenesis Imperfecta with Normal Sclerae; Osteogenesis Imperfecta Type IV. Identifiers: Orphanet 216820, Orphanet 666, MedGen C0268363, MONDO:0008148, OMIM 166220.

Submissions (3):

Department of Human Genetics, Hannover Medical School
Classification: Likely pathogenic for Osteogenesis imperfecta with normal sclerae, dominant form. Last evaluated: 2026-05-27. Review status: criteria provided, single submitter. Criteria: ACMG Guidelines, 2015. Collection method: clinical testing. Allele origin: germline. Affected: yes.
Comment: ACMG/Clingen SVI: PS4_Moderate, PM1, PM2_Supporting, PM5_Supporting, PP3_Moderate, PP4

Labcorp Genetics (formerly Invitae), Labcorp
Classification: Pathogenic for Osteogenesis imperfecta type I; Ehlers-Danlos syndrome, classic type, 1. Last evaluated: 2025-06-27. Review status: criteria provided, single submitter. Criteria: Invitae Variant Classification Sherloc (09022015). Collection method: clinical testing. Allele origin: germline.
Comment: This sequence change replaces glycine, which is neutral and non-polar, with cysteine, which is neutral and slightly polar, at codon 661 of the COL1A2 protein (p.Gly661Cys). This variant is not present in population databases (gnomAD no frequency). This missense change has been observed in individual(s) with osteogenesis imperfecta (PMID: 21667357, 30715774). ClinVar contains an entry for this variant (Variation ID: 1071308). Invitae Evidence Modeling of protein sequence and biophysical properties (such as structural, functional, and spatial information, amino acid conservation, physicochemical variation, residue mobility, and thermodynamic stability) indicates that this missense variant is expected to disrupt COL1A2 protein function with a positive predictive value of 95%. This variant disrupts the triple helix domain of COL1A2. Glycine residues within the Gly-Xaa-Yaa repeats of the triple helix domain are required for the structure and stability of fibrillar collagens (PMID: 7695699, 8218237, 19344236). In COL1A2, variants affecting these glycine residues are significantly enriched in individuals with disease (PMID: 9016532, 17078022) compared to the general population (ExAC). For these reasons, this variant has been classified as Pathogenic.

Revvity Omics, Revvity
Classification: Pathogenic. Last evaluated: 2024-03-11. Review status: criteria provided, single submitter. Criteria: ACMG Guidelines, 2015. Collection method: clinical testing. Allele origin: germline.

Literature cited by the submitters: PubMed 21667357 (cited by Labcorp Genetics (formerly Invitae), Labcorp); PubMed 30715774 (cited by Labcorp Genetics (formerly Invitae), Labcorp); PubMed 7695699 (cited by Labcorp Genetics (formerly Invitae), Labcorp); PubMed 8218237 (cited by Labcorp Genetics (formerly Invitae), Labcorp); PubMed 19344236 (cited by Labcorp Genetics (formerly Invitae), Labcorp); PubMed 9016532 (cited by Labcorp Genetics (formerly Invitae), Labcorp); PubMed 17078022 (cited by Labcorp Genetics (formerly Invitae), Labcorp).

NM_000089.4(COL1A2):c.1981G>T (p.Gly661Cys)

Gene: COL1A2 (collagen type I alpha 2 chain; plus strand). Cytogenetic location: 7q21.3.
Variant type: single nucleotide variant.
Coding change: c.1981G>T on transcript NM_000089.4 (MANE Select); coding-DNA position 1981, G replaced by T.
Protein change: p.Gly661Cys; replaces glycine 661 with cysteine.
Molecular consequence: missense variant.
Genome position (GRCh38, 1-based): chr7:94,418,508, G>T. VCF-style: chr7-94418508-G-T. GRCh37 (hg19) VCF-style: chr7-94047820-G-T.
Other names: short protein forms G661C.
Identifiers: ClinVar variation 1071308 (VCV001071308.12), dbSNP rs72658152, ClinGen allele CA368223002.